The following is an entry in ClinVar:

ClinVar aggregate classification (germline): Uncertain significance (1 of 4 stars; one submission).

Submission:

Labcorp Genetics (formerly Invitae), Labcorp
Classification: Uncertain significance. Last evaluated: 2024-10-08. Review status: criteria provided, single submitter. Criteria: Invitae Variant Classification Sherloc (09022015). Collection method: clinical testing. Allele origin: germline.
Comment: This sequence change replaces leucine, which is neutral and non-polar, with arginine, which is basic and polar, at codon 1090 of the CEP152 protein (p.Leu1090Arg). This variant is not present in population databases (gnomAD no frequency). This variant has not been reported in the literature in individuals affected with CEP152-related conditions. ClinVar contains an entry for this variant (Variation ID: 1361135). Invitae Evidence Modeling of protein sequence and biophysical properties (such as structural, functional, and spatial information, amino acid conservation, physicochemical variation, residue mobility, and thermodynamic stability) has been performed for this missense variant. However, the output from this modeling did not meet the statistical confidence thresholds required to predict the impact of this variant on CEP152 protein function. In summary, the available evidence is currently insufficient to determine the role of this variant in disease. Therefore, it has been classified as a Variant of Uncertain Significance.

NM_001194998.2(CEP152):c.3269T>G (p.Leu1090Arg)

Gene: CEP152 (centrosomal protein 152; minus strand). Cytogenetic location: 15q21.1.
Variant type: single nucleotide variant.
Coding change: c.3269T>G on transcript NM_001194998.2 (MANE Select); coding-DNA position 3269, T replaced by G.
Protein change: p.Leu1090Arg; replaces leucine 1090 with arginine.
Molecular consequence: missense variant.
Genome position (GRCh38, 1-based): chr15:48,755,979, A>C on the plus strand (T>G on the coding strand, the complement: CEP152 is on the minus strand). VCF-style: chr15-48755979-A-C. GRCh37 (hg19) VCF-style: chr15-49048176-A-C.
Other names: c.3269T>G, p.Leu1090Arg (NM_014985.4); short protein forms L1090R.
Identifiers: ClinVar variation 1361135 (VCV001361135.8), dbSNP rs2140666134, ClinGen allele CA392341644.